The following is an entry in ClinVar:

NC_000007.14:g.(?_150957281)_(150977923_?)del

Gene: KCNH2 (potassium voltage-gated channel subfamily H member 2; minus strand). Cytogenetic location: 7q36.1.
Variant type: Deletion.
Identifiers: ClinVar variation 830647 (VCV000830647.5).

ClinVar aggregate classification (germline): Pathogenic (1 of 4 stars; one submission).

Conditions:
Long QT syndrome (LQTS). Identifiers: MedGen C0023976, MeSH D008133, MONDO:0002442. Disease mechanism: loss of function. Inheritance: Various modes of inheritance.

Submission:

Labcorp Genetics (formerly Invitae), Labcorp
Classification: Pathogenic for Long QT syndrome. Last evaluated: 2019-09-09. Review status: criteria provided, single submitter. Criteria: Invitae Variant Classification Sherloc (09022015). Collection method: clinical testing. Allele origin: germline.
Comment: For these reasons, this variant has been classified as Pathogenic. Loss-of-function variants in KCNH2 are known to be pathogenic (PMID: 10973849, 19862833). This variant has not been reported in the literature in individuals with KCNH2-related conditions. This variant is a gross deletion of the genomic region encompassing exons 1-5 of the KCNH2 gene, which includes the initiator codon. The 5' end of this event is unknown as it extends beyond the assayed region for this gene and therefore may encompass additional genes. The 3' boundary is likely confined to intron 5 of the KCNH2 gene. This is expected to result in an absent or disrupted protein product.

Literature cited by the submitters: PubMed 10973849; PubMed 19862833.